The following is an entry in ClinVar:

ClinVar aggregate classification (germline): Uncertain significance (1 of 4 stars; one submission).

Conditions:
RASopathy. Also called: Noonan spectrum disorder; rasopathies. Identifiers: Orphanet 536391, MedGen C5555857, MONDO:0021060.

Allele frequency attached by ClinVar (database versions not stated): TOPMed below 0.00001.

Submission:

Labcorp Genetics (formerly Invitae), Labcorp
Classification: Uncertain significance for RASopathy. Last evaluated: 2023-11-24. Review status: criteria provided, single submitter. Criteria: Invitae Variant Classification Sherloc (09022015). Collection method: clinical testing. Allele origin: germline.
Comment: This sequence change falls in intron 21 of the SOS1 gene. It does not directly change the encoded amino acid sequence of the SOS1 protein. It affects a nucleotide within the consensus splice site. This variant is not present in population databases (gnomAD no frequency). This variant has not been reported in the literature in individuals affected with SOS1-related conditions. Variants that disrupt the consensus splice site are a relatively common cause of aberrant splicing (PMID: 17576681, 9536098). Algorithms developed to predict the effect of sequence changes on RNA splicing suggest that this variant may disrupt the consensus splice site. In summary, the available evidence is currently insufficient to determine the role of this variant in disease. Therefore, it has been classified as a Variant of Uncertain Significance.

Literature cited by the submitters: PubMed 17576681; PubMed 9536098.

NM_005633.4(SOS1):c.3391+6T>G

Gene: SOS1 (SOS Ras/Rac guanine nucleotide exchange factor 1; minus strand). Cytogenetic location: 2p22.1.
Variant type: single nucleotide variant.
Coding change: c.3391+6T>G on transcript NM_005633.4 (MANE Select); 6 bases into the intron after coding-DNA position 3391, T replaced by G.
Molecular consequence: intron variant.
Genome position (GRCh38, 1-based): chr2:38,989,264, A>C on the plus strand (T>G on the coding strand, the complement: SOS1 is on the minus strand). VCF-style: chr2-38989264-A-C. GRCh37 (hg19) VCF-style: chr2-39216405-A-C.
Other names: c.3370+6T>G (NM_001382394.1); c.3347-1673T>G (NM_001382395.1).
Identifiers: ClinVar variation 2698645 (VCV002698645.3), dbSNP rs1288615039, ClinGen allele CA768527645.